The following is an entry in ClinVar:

ClinVar aggregate classification (germline): Likely benign. Review status: criteria provided, multiple submitters, no conflicts (2 of 4 stars). 4 submissions from 4 submitters: Likely benign (4). Last evaluated 2025-09-20.

Conditions:
Familial thoracic aortic aneurysm and aortic dissection (TAAD). Also called: Thoracic aortic aneurysms and dissections. Identifiers: Orphanet 91387, MedGen C4707243, MONDO:0019625.

Allele frequency attached by ClinVar (database versions not stated): gnomAD exomes 0.00001.
gnomAD v4.1: 7 of 1,614,194 alleles (0.00043%); highest among the groups gnomAD compares: Non-Finnish European, 0.00059%; no homozygotes.

Submissions (4):

Women's Health and Genetics/Laboratory Corporation of America, LabCorp
Classification: Likely benign. Last evaluated: 2025-09-20. Review status: criteria provided, single submitter. Criteria: LabCorp Variant Classification Summary - May 2015. Collection method: clinical testing. Allele origin: germline.
Comment: Variant summary: TGFBR2 c.1483C>A alters a conserved nucleotide resulting in a synonymous change. Consensus agreement among computation tools predict no significant impact on normal splicing. However, these predictions have yet to be confirmed by functional studies. The variant was absent in 251160 control chromosomes. The available data on variant occurrences in the general population are insufficient to allow any conclusion about variant significance. To our knowledge, no occurrence of c.1483C>A in individuals affected with TGFBR2-related conditions and no experimental evidence demonstrating its impact on protein function have been reported. ClinVar contains an entry for this variant (Variation ID: 1773619). Based on the evidence outlined above, the variant was classified as likely benign.

Labcorp Genetics (formerly Invitae), Labcorp
Classification: Likely benign for Familial thoracic aortic aneurysm and aortic dissection. Last evaluated: 2024-11-05. Review status: criteria provided, single submitter. Criteria: Invitae Variant Classification Sherloc (09022015). Collection method: clinical testing. Allele origin: germline.

Color Diagnostics, LLC DBA Color Health
Classification: Likely benign for Familial thoracic aortic aneurysm and aortic dissection. Last evaluated: 2022-11-06. Review status: criteria provided, single submitter. Criteria: ACMG Guidelines, 2015. Collection method: clinical testing. Allele origin: germline.

Ambry Genetics
Classification: Likely benign for Familial thoracic aortic aneurysm and aortic dissection. Last evaluated: 2022-01-02. Review status: criteria provided, single submitter. Criteria: Ambry Variant Classification Scheme 2023. Collection method: clinical testing. Allele origin: germline.

NM_003242.6(TGFBR2):c.1483C>A (p.Arg495=)

Gene: TGFBR2 (transforming growth factor beta receptor 2; plus strand). Cytogenetic location: 3p24.1.
Variant type: single nucleotide variant.
Coding change: c.1483C>A on transcript NM_003242.6 (MANE Select); coding-DNA position 1483, C replaced by A.
Protein change: p.Arg495=; no amino-acid change (arginine 495 retained).
Molecular consequence: synonymous variant.
Genome position (GRCh38, 1-based): chr3:30,688,470, C>A. VCF-style: chr3-30688470-C-A. GRCh37 (hg19) VCF-style: chr3-30729962-C-A.
Other names: c.1558C>A, p.Arg520= (NM_001024847.3); c.1666C>A, p.Arg556= (NM_001407126.1); c.1591C>A, p.Arg531= (NM_001407127.1); c.1510C>A, p.Arg504= (NM_001407128.1); c.1486C>A, p.Arg496= (NM_001407129.1); c.1480C>A, p.Arg494= (NM_001407130.1); c.1378C>A, p.Arg460= (NM_001407132.1, NM_001407133.1, NM_001407134.1 and 2 more transcripts); c.1198C>A, p.Arg400= (NM_001407137.1); and 2 more.
Identifiers: ClinVar variation 1773619 (VCV001773619.6), dbSNP rs104893819, ClinGen allele CA432917834.